The following is an entry in ClinVar:

NM_000383.4(AIRE):c.205_208dup (p.Asp70fs)

Gene: AIRE (autoimmune regulator; plus strand). Cytogenetic location: 21q22.3.
Variant type: Duplication.
Coding change: c.205_208dup on transcript NM_000383.4 (MANE Select); coding-DNA positions 205 to 208, 4 bases duplicated (CAGG; older notation c.205_208dupCAGG).
Protein change: p.Asp70fs; shifts the reading frame from aspartic acid 70.
Molecular consequence: frameshift variant.
Genome position (GRCh38, 1-based): chr21:44,286,629-44,286,632, CAGG duplicated. VCF-style (leftmost placement, unchanged base first): chr21-44286628-C-CCAGG. GRCh37 (hg19) VCF-style: chr21-45706511-C-CCAGG.
Other names: NP_000374.1:p.Asp70AlafsTer148; c.205_208dup (LRG_18t1); c.205_208dupCAGG (NM_000383.4); short protein forms D70fs.
Identifiers: ClinVar variation 279674 (VCV000279674.9), dbSNP rs886041124, ClinGen allele CA10603375.

ClinVar aggregate classification (germline): Pathogenic. Review status: criteria provided, multiple submitters, no conflicts (2 of 4 stars). 6 submissions from 6 submitters: Pathogenic (4). 2 of the submissions do not count toward it. Last evaluated 2025-06-17.

Conditions:
Polyglandular autoimmune syndrome, type 1 (APS1). Also called: APS I; Whitaker syndrome; HYPOADRENOCORTICISM WITH HYPOPARATHYROIDISM AND SUPERFICIAL MONILIASIS; PGA I; Autoimmune polyendocrine syndrome type 1; AUTOIMMUNE POLYENDOCRINE SYNDROME, TYPE I, WITH OR WITHOUT REVERSIBLE METAPHYSEAL DYSPLASIA. Identifiers: Orphanet 3453, MedGen C0085859, MONDO:0009411, OMIM 240300.

Allele frequency attached by ClinVar (database versions not stated): gnomAD exomes below 0.00001.

Submissions (6):

Massaad Lab, American University of Beirut
Classification: Pathogenic for Polyglandular autoimmune syndrome, type 1. Last evaluated: 2025-06-17. Review status: criteria provided, single submitter. Criteria: ACMG Guidelines, 2015. Collection method: research. Allele origin: germline. Inheritance: Autosomal recessive inheritance. Affected: yes. Observed: 6 homozygotes.
Comment: NM_000383.4(AIRE):c.205_208dupCAGG (p.Asp70AlafsTer148) is a duplication producing a frameshift, which creates a premature translational stop signal and is expected to result in an absent or disrupted protein through nonsense-mediated decay. Loss of function is an established mechanism of disease for AIRE in autosomal recessive APS-1/APECED. This variant is absent from population databases (gnomAD) and has been previously reported in multiple individuals of Arabic ancestry with APS-1 (PMID: 19758376, 9888391). It was identified here in additional affected individuals with a highly specific APS-1 phenotype. This variant is classified as Pathogenic.

Genetic Services Laboratory, University of Chicago
Classification: Pathogenic. Last evaluated: 2018-09-21. Review status: criteria provided, single submitter. Criteria: ACMG Guidelines, 2015. Collection method: clinical testing. Allele origin: germline. Affected: yes.
Comment: DNA sequence analysis of the AIRE gene demonstrated a four base pair duplication in exon 2, c.205_208dup. This pathogenic sequence change results in an amino acid frameshift and creates a premature stop codon 147 amino acids downstream of the mutation, p.Asp70Alafs*148. This pathogenic sequence change is predicted to result in an abnormal transcript, which may be degraded, or may lead to the production of a truncated AIRE protein with potentially abnormal function. This pathogenic sequence change is not present in large population databases such as gnomAD, and has previously been described in patients with autoimmune polyendocrinopathy syndrome type 1 (PMIDs: 19758376, 9888391).

GeneDx
Classification: Pathogenic. Last evaluated: 2016-08-22. Review status: criteria provided, single submitter. Criteria: GeneDx Variant Classification (06012015). Collection method: clinical testing. Allele origin: germline. Affected: yes.
Comment: The c.205_208dupCAGG variant in the AIRE gene has been reported previously in patients of Arabic ancestry in association with autoimmune polyendocrinopathy syndrome, type 1 (APS1) (Heino et al., 1999; Faiyaz-Ul-Haque et al., 2009). The duplication causes a frameshift starting with codon Aspartic acid 70, changes this amino acid to an Alanine residue and creates a premature Stop codon at position 148 of the new reading frame, denoted p.Asp70AlafsX148. This variant is predicted to cause loss of normal protein function either through protein truncation or nonsense-mediated mRNA decay. The variant was not observed in approximately 6,500 individuals of European and African American ancestry in the NHLBI Exome Sequencing Project, indicating it is not a common benign variant in these populations.

Women's Health and Genetics/Laboratory Corporation of America, LabCorp
Classification: Pathogenic for Polyglandular autoimmune syndrome, type 1. Last evaluated: 2016-03-07. Review status: criteria provided, single submitter. Criteria: LabCorp Variant Classification Summary - May 2015. Collection method: clinical testing. Allele origin: germline.
Comment: Variant summary: This c.205_208dupCAGG variant causes a frameshift, which alters the proteins amino acid sequence beginning at position 70 and leads to a premature termination codon 148 amino acids downstream. It is predicted to cause a truncated or absent AIRE protein. Loss-of-function due to mutations in this gene is an established disease mechanism in APS1. Truncations downstream of this position have been classified as pathogenic by our laboratory (e.g. p.Arg257X, p.Cys311fs). This variant has been reported in multiple APS1 families in homozygous state. However, it was absent in approximately 120132 chromosomes from ExAC. One reputable database has classified this variant as pathogenic. Taken together, this variant has been classified as a Disease Variant/Pathogenic.

Biochemical Molecular Genetic Laboratory, King Abdulaziz Medical City
Classification: Pathogenic for Polyglandular autoimmune syndrome, type 1. Last evaluated: 2020-11-12. Review status: no assertion criteria provided. Collection method: clinical testing. Allele origin: germline. Affected: yes. Not counted in ClinVar's aggregate classification.

OMIM
Classification: Pathogenic for AUTOIMMUNE POLYENDOCRINOPATHY SYNDROME, TYPE I. Last evaluated: 2009-11-01. Review status: no assertion criteria provided. Collection method: literature only. Allele origin: germline. Not counted in ClinVar's aggregate classification.

Literature cited by the submitters: PubMed 19758376 (cited by 3 submitters); PubMed 9888391 (cited by 3 submitters).